The following is an entry in ClinVar:

NM_015570.4(AUTS2):c.2900G>A (p.Gly967Asp)

Gene: AUTS2 (activator of transcription and developmental regulator AUTS2; plus strand). Cytogenetic location: 7q11.22.
Variant type: single nucleotide variant.
Coding change: c.2900G>A on transcript NM_015570.4 (MANE Select); coding-DNA position 2900, G replaced by A.
Protein change: p.Gly967Asp; replaces glycine 967 with aspartic acid.
Molecular consequence: missense variant.
Genome position (GRCh38, 1-based): chr7:70,790,116, G>A. VCF-style: chr7-70790116-G-A. GRCh37 (hg19) VCF-style: chr7-70255102-G-A.
Other names: c.2828G>A, p.Gly943Asp (NM_001127231.3); short protein forms G943D, G967D.
Identifiers: ClinVar variation 2324985 (VCV002324985.2), dbSNP rs1421472648, ClinGen allele CA367665058.

ClinVar aggregate classification (germline): Uncertain significance (1 of 4 stars; one submission).

Conditions:
Inborn genetic diseases. Identifiers: MedGen C0950123, MeSH D030342.

Allele frequency attached by ClinVar (database versions not stated): TOPMed below 0.00001; gnomAD exomes 0.00001.
gnomAD v4.1: 10 of 1,599,128 alleles (0.00063%); highest among the groups gnomAD compares: Non-Finnish European, 0.00085%; no homozygotes.

Submission:

Ambry Genetics
Classification: Uncertain significance for Inborn genetic diseases. Last evaluated: 2022-11-09. Review status: criteria provided, single submitter. Criteria: Ambry Variant Classification Scheme 2023. Collection method: clinical testing. Allele origin: germline.
Comment: The c.2900G>A (p.G967D) alteration is located in exon 19 (coding exon 19) of the AUTS2 gene. This alteration results from a G to A substitution at nucleotide position 2900, causing the glycine (G) at amino acid position 967 to be replaced by an aspartic acid (D). This variant was not reported in population-based cohorts in the Genome Aggregation Database (gnomAD). This amino acid position is poorly conserved in available vertebrate species. This alteration is predicted to be tolerated by in silico analysis. Based on insufficient or conflicting evidence, the clinical significance of this alteration remains unclear.